The following is an entry in ClinVar:

NM_014975.3(MAST1):c.2680G>A (p.Gly894Arg)

Gene: MAST1 (microtubule associated serine/threonine kinase 1; plus strand). Cytogenetic location: 19p13.13.
Variant type: single nucleotide variant.
Coding change: c.2680G>A on transcript NM_014975.3 (MANE Select); coding-DNA position 2680, G replaced by A.
Protein change: p.Gly894Arg; replaces glycine 894 with arginine.
Molecular consequence: missense variant.
Genome position (GRCh38, 1-based): chr19:12,868,756, G>A. VCF-style: chr19-12868756-G-A. GRCh37 (hg19) VCF-style: chr19-12979570-G-A.
Other names: short protein forms G894R.
Identifiers: ClinVar variation 2716559 (VCV002716559.3), dbSNP rs2512540468, ClinGen allele CA404281512.

ClinVar aggregate classification (germline): Uncertain significance (1 of 4 stars; one submission).

Submission:

Labcorp Genetics (formerly Invitae), Labcorp
Classification: Uncertain significance. Last evaluated: 2023-07-26. Review status: criteria provided, single submitter. Criteria: Invitae Variant Classification Sherloc (09022015). Collection method: clinical testing. Allele origin: germline.
Comment: This sequence change replaces glycine, which is neutral and non-polar, with arginine, which is basic and polar, at codon 894 of the MAST1 protein (p.Gly894Arg). This variant has not been reported in the literature in individuals affected with MAST1-related conditions. This variant is not present in population databases (gnomAD no frequency). An algorithm developed to predict the effect of missense changes on protein structure and function (PolyPhen-2) suggests that this variant is likely to be disruptive. In summary, the available evidence is currently insufficient to determine the role of this variant in disease. Therefore, it has been classified as a Variant of Uncertain Significance.